The following is an entry in ClinVar:

ClinVar aggregate classification (germline): Pathogenic. Review status: reviewed by expert panel (3 of 4 stars). 6 submissions from 6 submitters: Pathogenic (1). 5 of the submissions do not count toward it. Last evaluated 2016-09-08.

Conditions:
Inherited breast cancer and ovarian cancer.
Hereditary cancer-predisposing syndrome. Also called: Tumor predisposition; Hereditary neoplastic syndrome; Hereditary Cancer Syndrome; Neoplastic Syndromes, Hereditary. Identifiers: Orphanet 140162, MedGen C0027672, MeSH D009386, MONDO:0015356.
Hereditary breast ovarian cancer syndrome. Also called: Hereditary breast and ovarian cancer syndrome (HBOC); Hereditary breast and ovarian cancer syndrome; Breast and ovarian cancer; BRCA1- and BRCA2-Associated Hereditary Breast and Ovarian Cancer; Hereditary breast and ovarian cancer; Hereditary breast and/or ovarian cancer syndrome. Identifiers: Orphanet 145, MedGen C0677776, MeSH D061325, MONDO:0003582. Disease mechanism: loss of function.
Breast-ovarian cancer, familial, susceptibility to, 1 (BROVCA1). Also called: OVARIAN CANCER, SUSCEPTIBILITY TO; BRCA1 Hereditary Breast and Ovarian Cancer. Identifiers: Orphanet 145, MedGen C2676676, MONDO:0011450, OMIM 604370. Disease mechanism: loss of function.

Submissions (6):

Evidence-based Network for the Interpretation of Germline Mutant Alleles (ENIGMA)
Classification: Pathogenic for Breast-ovarian cancer, familial, susceptibility to, 1. Last evaluated: 2016-09-08. Review status: reviewed by expert panel. Criteria: ENIGMA BRCA1/2 Classification Criteria (2015). Collection method: curation. Allele origin: germline.
Comment: Variant allele predicted to encode a truncated non-functional protein.

Ambry Genetics
Classification: Pathogenic for Hereditary cancer-predisposing syndrome. Last evaluated: 2026-07-23. Review status: criteria provided, single submitter. Criteria: Ambry Variant Classification Scheme 2023. Collection method: clinical testing. Allele origin: germline. Not counted in ClinVar's aggregate classification.
Comment: The c.2101_2102delAA pathogenic mutation, located in coding exon 9 of the BRCA1 gene, results from a deletion of two nucleotides at nucleotide positions 2101 to 2102, causing a translational frameshift with a predicted alternate stop codon (p.K701Vfs*10). This variant is considered to be rare based on population cohorts in the Genome Aggregation Database (gnomAD). This alteration is expected to result in loss of function by premature protein truncation or nonsense-mediated mRNA decay. As such, this alteration is interpreted as a disease-causing mutation.

Genomics and Molecular Medicine Service, East Genomic Laboratory Hub, NHS Genomic Medicine Service
Classification: Pathogenic for Inherited breast cancer and ovarian cancer. Last evaluated: 2026-04-27. Review status: criteria provided, single submitter. Criteria: ACGS Best Practice Guidelines for Variant Classification in Rare Disease 2020. Collection method: clinical testing. Allele origin: germline. Affected: yes. Not counted in ClinVar's aggregate classification.
Comment: PVS1,PM2,PM5_Strong

Labcorp Genetics (formerly Invitae), Labcorp
Classification: Pathogenic for Hereditary breast ovarian cancer syndrome. Last evaluated: 2024-02-13. Review status: criteria provided, single submitter. Criteria: Invitae Variant Classification Sherloc (09022015). Collection method: clinical testing. Allele origin: germline. Not counted in ClinVar's aggregate classification.
Comment: This sequence change creates a premature translational stop signal (p.Lys701Valfs*10) in the BRCA1 gene. It is expected to result in an absent or disrupted protein product. Loss-of-function variants in BRCA1 are known to be pathogenic (PMID: 20104584). This variant is not present in population databases (gnomAD no frequency). This premature translational stop signal has been observed in individual(s) with ovarian cancer (PMID: 30078507). ClinVar contains an entry for this variant (Variation ID: 96905). For these reasons, this variant has been classified as Pathogenic.

Color Diagnostics, LLC DBA Color Health
Classification: Pathogenic for Hereditary cancer-predisposing syndrome. Last evaluated: 2020-01-02. Review status: criteria provided, single submitter. Criteria: ACMG Guidelines, 2015. Collection method: clinical testing. Allele origin: germline. Not counted in ClinVar's aggregate classification.
Comment: This variant deletes 2 nucleotides in exon 10 of the BRCA1 gene, creating a frameshift and premature translation stop signal. This variant is expected to result in an absent or non-functional protein product. Splice site prediction tools suggest that this variant may not impact RNA splicing. To our knowledge, functional studies have not been performed for this variant. To our knowledge, this variant has not been reported in individuals affected with hereditary cancer in the literature. This variant has not been identified in the general population by the Genome Aggregation Database (gnomAD). Loss of BRCA1 function is a known mechanism of disease. Based on the available evidence, this variant is classified as Pathogenic.

Sharing Clinical Reports Project (SCRP)
Classification: Pathogenic for Breast-ovarian cancer, familial 1. Last evaluated: 2012-05-01. Review status: no assertion criteria provided. Collection method: clinical testing. Allele origin: germline. Not counted in ClinVar's aggregate classification.

Literature cited by the submitters: PubMed 20104584 (cited by Labcorp Genetics (formerly Invitae), Labcorp); PubMed 30078507 (cited by Labcorp Genetics (formerly Invitae), Labcorp).

NM_007294.4(BRCA1):c.2101_2102del (p.Lys701fs)

Gene: BRCA1 (BRCA1 DNA repair associated; minus strand). Cytogenetic location: 17q21.31.
Variant type: Deletion.
Coding change: c.2101_2102del on transcript NM_007294.4 (MANE Select); coding-DNA positions 2101 to 2102, 2 bases deleted (AA; older notation c.2101_2102delAA).
Protein change: p.Lys701fs; shifts the reading frame from lysine 701.
Molecular consequence: frameshift variant. On other transcripts: intron variant (137).
Genome position (GRCh38, 1-based): chr17:43,093,429-43,093,430, TT deleted on the plus strand (AA on the coding strand, the reverse complement: BRCA1 is on the minus strand). VCF-style (leftmost placement, unchanged base first): chr17-43093428-CTT-C. GRCh37 (hg19) VCF-style: chr17-41245445-CTT-C.
Other names: 2220delAA; c.574+1314_574+1315del (NM_001408493.1, NM_001408490.1, NM_001408491.1); c.454+1314_454+1315del (NM_001408502.1); c.577+1314_577+1315del (NM_001408489.1, NM_001408479.1, NM_001408482.1 and 9 more transcripts); c.661+1314_661+1315del (NM_001408445.1, NM_001408432.1, NM_001408450.1 and 6 more transcripts); c.668-2398_668-2397del (NM_001408431.1, NM_001408424.1, NM_001408421.1); c.784+1314_784+1315del (NM_001408407.1, NM_001408402.1, NM_001408473.1 and 13 more transcripts); c.664+1314_664+1315del (NM_001408443.1, NM_001408439.1, NM_001408425.1 and 12 more transcripts); and 43 more; short protein forms K701fs, K654fs, K405fs, K589fs, K631fs, K660fs, K674fs, K573fs.
Identifiers: ClinVar variation 96905 (VCV000096905.15), dbSNP rs431825389, ClinGen allele CA001391.
Genomic context (GRCh38, chr17:43,093,428, plus strand): 5'-AAATTCTTTAAGTTCACTGGTATTTGAACACTTAGTAAAAGAACCAGGTGCATTTGTTAA[CTT>C]CAGCTCTGGGAAAGTATCGCTGTCATGTCTTTTACTTGTCTGTTCATTTGGCTTGTTACT-3'